The following is an entry in ClinVar:

NM_006734.4(HIVEP2):c.3044C>T (p.Ser1015Leu)

Gene: HIVEP2 (HIVEP zinc finger 2; minus strand). Cytogenetic location: 6q24.2.
Variant type: single nucleotide variant.
Coding change: c.3044C>T on transcript NM_006734.4 (MANE Select); coding-DNA position 3044, C replaced by T.
Protein change: p.Ser1015Leu; replaces serine 1015 with leucine.
Molecular consequence: missense variant.
Genome position (GRCh38, 1-based): chr6:142,771,695, G>A on the plus strand (C>T on the coding strand, the complement: HIVEP2 is on the minus strand). VCF-style: chr6-142771695-G-A. GRCh37 (hg19) VCF-style: chr6-143092832-G-A.
Other names: short protein forms S1015L.
Identifiers: ClinVar variation 2019915 (VCV002019915.4), dbSNP rs2482834534, ClinGen allele CA365907519.

ClinVar aggregate classification (germline): Uncertain significance (1 of 4 stars; one submission).

Submission:

Labcorp Genetics (formerly Invitae), Labcorp
Classification: Uncertain significance. Last evaluated: 2024-09-09. Review status: criteria provided, single submitter. Criteria: Invitae Variant Classification Sherloc (09022015). Collection method: clinical testing. Allele origin: germline.
Comment: This sequence change replaces serine, which is neutral and polar, with leucine, which is neutral and non-polar, at codon 1015 of the HIVEP2 protein (p.Ser1015Leu). This variant is not present in population databases (gnomAD no frequency). This variant has not been reported in the literature in individuals affected with HIVEP2-related conditions. ClinVar contains an entry for this variant (Variation ID: 2019915). Invitae Evidence Modeling of protein sequence and biophysical properties (such as structural, functional, and spatial information, amino acid conservation, physicochemical variation, residue mobility, and thermodynamic stability) indicates that this missense variant is expected to disrupt HIVEP2 protein function with a positive predictive value of 80%. In summary, the available evidence is currently insufficient to determine the role of this variant in disease. Therefore, it has been classified as a Variant of Uncertain Significance.